The following is an entry in ClinVar:

ClinVar aggregate classification (germline): Uncertain significance (1 of 4 stars; one submission).

Submission:

Labcorp Genetics (formerly Invitae), Labcorp
Classification: Uncertain significance. Last evaluated: 2024-09-06. Review status: criteria provided, single submitter. Criteria: Invitae Variant Classification Sherloc (09022015). Collection method: clinical testing. Allele origin: germline.
Comment: This sequence change replaces alanine, which is neutral and non-polar, with valine, which is neutral and non-polar, at codon 492 of the TRRAP protein (p.Ala492Val). This variant is not present in population databases (gnomAD no frequency). This variant has not been reported in the literature in individuals affected with TRRAP-related conditions. Experimental studies and prediction algorithms are not available or were not evaluated, and the functional significance of this variant is currently unknown. In summary, the available evidence is currently insufficient to determine the role of this variant in disease. Therefore, it has been classified as a Variant of Uncertain Significance.

NM_001375524.1(TRRAP):c.1475C>T (p.Ala492Val)

Gene: TRRAP (transformation/transcription domain associated protein; plus strand). Cytogenetic location: 7q22.1.
Variant type: single nucleotide variant.
Coding change: c.1475C>T on transcript NM_001375524.1 (MANE Select); coding-DNA position 1475, C replaced by T.
Protein change: p.Ala492Val; replaces alanine 492 with valine.
Molecular consequence: missense variant.
Genome position (GRCh38, 1-based): chr7:98,910,180, C>T. VCF-style: chr7-98910180-C-T. GRCh37 (hg19) VCF-style: chr7-98507803-C-T.
Other names: c.1475C>T, p.Ala492Val (NM_001244580.2, NM_003496.4); short protein forms A492V.
Identifiers: ClinVar variation 2694465 (VCV002694465.3), dbSNP rs2484712046, ClinGen allele CA368286221.